The following is an entry in ClinVar:

NM_004937.3(CTNS):c.887G>A (p.Gly296Asp)

Gene: CTNS (cystinosin, lysosomal cystine transporter; plus strand). Cytogenetic location: 17p13.2.
Variant type: single nucleotide variant.
Coding change: c.887G>A on transcript NM_004937.3 (MANE Select); coding-DNA position 887, G replaced by A.
Protein change: p.Gly296Asp; replaces glycine 296 with aspartic acid.
Molecular consequence: missense variant.
Genome position (GRCh38, 1-based): chr17:3,659,892, G>A. VCF-style: chr17-3659892-G-A. GRCh37 (hg19) VCF-style: chr17-3563186-G-A.
Other names: c.887G>A, p.Gly296Asp (NM_001031681.3, NM_001374492.1); c.446G>A, p.Gly149Asp (NM_001374493.1, NM_001374494.1, NM_001374495.1 and 1 more transcripts); short protein forms G149D, G296D.
Identifiers: ClinVar variation 4529532 (VCV004529532.1).

ClinVar aggregate classification (germline): Uncertain significance (1 of 4 stars; one submission).

Submission:

GeneDx
Classification: Uncertain significance. Last evaluated: 2025-05-13. Review status: criteria provided, single submitter. Criteria: GeneDx Variant Classification Process June 2021. Collection method: clinical testing. Allele origin: germline. Affected: yes.
Comment: Not observed at significant frequency in large population cohorts (gnomAD); In silico analysis supports that this missense variant has a deleterious effect on protein structure/function; Has not been previously published as pathogenic or benign to our knowledge